The following is an entry in ClinVar:

NM_005120.3(MED12):c.6180_6182dup (p.Gln2076dup)

Gene: MED12 (mediator complex subunit 12; plus strand). Cytogenetic location: Xq13.1.
Variant type: Duplication.
Coding change: c.6180_6182dup on transcript NM_005120.3 (MANE Select); coding-DNA positions 6180 to 6182, 3 bases duplicated (GCA; older notation c.6180_6182dupGCA).
Protein change: p.Gln2076dup; duplicates glutamine 2076.
Molecular consequence: inframe insertion.
Genome position (GRCh38, 1-based): chrX:71,140,770-71,140,772, GCA duplicated; duplicating any 3 consecutive bases within chrX:71,140,768-71,140,772 gives the same sequence; the c. name uses the placement nearest the transcript's 3' end. VCF-style (leftmost placement, unchanged base first): chrX-71140767-A-ACAG. GRCh37 (hg19) VCF-style: chrX-70360617-A-ACAG.
Identifiers: ClinVar variation 1370109 (VCV001370109.8), dbSNP rs2147839452, ClinGen allele CA2573159599.

ClinVar aggregate classification (germline): Uncertain significance (1 of 4 stars; one submission).

Conditions:
FG syndrome (FGS). Identifiers: MedGen C0220769, MONDO:0002010.

Submission:

Labcorp Genetics (formerly Invitae), Labcorp
Classification: Uncertain significance for FG syndrome. Last evaluated: 2021-05-22. Review status: criteria provided, single submitter. Criteria: Invitae Variant Classification Sherloc (09022015). Collection method: clinical testing. Allele origin: germline.
Comment: This variant, c.6180_6182dup, results in the insertion of 1 amino acid(s) to the MED12 protein (p.Gln2076dup), but otherwise preserves the integrity of the reading frame. This variant is not present in population databases (ExAC no frequency). In summary, the available evidence is currently insufficient to determine the role of this variant in disease. Therefore, it has been classified as a Variant of Uncertain Significance. Experimental studies and prediction algorithms are not available or were not evaluated, and the functional significance of this variant is currently unknown. This variant has not been reported in the literature in individuals with MED12-related conditions.